The following is an entry in ClinVar:

NM_000264.5(PTCH1):c.3661T>C (p.Ser1221Pro)

Gene: PTCH1 (patched 1; minus strand). Cytogenetic location: 9q22.32.
Variant type: single nucleotide variant.
Coding change: c.3661T>C on transcript NM_000264.5 (MANE Select); coding-DNA position 3661, T replaced by C.
Protein change: p.Ser1221Pro; replaces serine 1221 with proline.
Molecular consequence: missense variant. On other transcripts: non-coding transcript variant (1).
Genome position (GRCh38, 1-based): chr9:95,449,212, A>G on the plus strand (T>C on the coding strand, the complement: PTCH1 is on the minus strand). VCF-style: chr9-95449212-A-G. GRCh37 (hg19) VCF-style: chr9-98211494-A-G.
Other names: c.3463T>C, p.Ser1155Pro (NM_001083602.3); c.3658T>C, p.Ser1220Pro (NM_001083603.3); c.3208T>C, p.Ser1070Pro (NM_001083604.3, NM_001083605.3, NM_001083606.3 and 1 more transcripts); c.3505T>C, p.Ser1169Pro (NM_001354918.2); short protein forms S1070P, S1221P, S1155P, S1169P, S1220P.
Identifiers: ClinVar variation 2002607 (VCV002002607.4), dbSNP rs2136600179, ClinGen allele CA374111199.

ClinVar aggregate classification (germline): Uncertain significance (1 of 4 stars; one submission).

Conditions:
Gorlin syndrome. Also called: Basal cell nevus syndrome; Nevoid Basal Cell Carcinoma Syndrome. Identifiers: Orphanet 377, MedGen C0004779, MONDO:0007187.

Submission:

Labcorp Genetics (formerly Invitae), Labcorp
Classification: Uncertain significance for Gorlin syndrome. Last evaluated: 2023-08-10. Review status: criteria provided, single submitter. Criteria: Invitae Variant Classification Sherloc (09022015). Collection method: clinical testing. Allele origin: germline.
Comment: In summary, the available evidence is currently insufficient to determine the role of this variant in disease. Therefore, it has been classified as a Variant of Uncertain Significance. Advanced modeling of protein sequence and biophysical properties (such as structural, functional, and spatial information, amino acid conservation, physicochemical variation, residue mobility, and thermodynamic stability) performed at Invitae indicates that this missense variant is not expected to disrupt PTCH1 protein function. ClinVar contains an entry for this variant (Variation ID: 2002607). This variant has not been reported in the literature in individuals affected with PTCH1-related conditions. This variant is not present in population databases (gnomAD no frequency). This sequence change replaces serine, which is neutral and polar, with proline, which is neutral and non-polar, at codon 1221 of the PTCH1 protein (p.Ser1221Pro).